The following is an entry in ClinVar:

ClinVar aggregate classification (germline): Likely pathogenic (1 of 4 stars; one submission).

Conditions:
Joubert syndrome. Also called: CEREBELLOPARENCHYMAL DISORDER IV; JOUBERT-BOLTSHAUSER SYNDROME; Familial aplasia of the vermis. Identifiers: Orphanet 475, MedGen C5979921, MONDO:0018772.
Meckel-Gruber syndrome. Also called: DYSENCEPHALIA SPLANCHNOCYSTICA; GRUBER SYNDROME; Dysencephalia splachnocystica. Identifiers: Orphanet 564, MedGen C0265215, MONDO:0018921.

Allele frequency attached by ClinVar (database versions not stated): gnomAD exomes below 0.00001.
gnomAD v4.1: 1 of 1,591,702 alleles (0.000063%); highest among the groups gnomAD compares: Non-Finnish European, 0.000086%; no homozygotes.

Submission:

Labcorp Genetics (formerly Invitae), Labcorp
Classification: Likely pathogenic for Joubert syndrome; Meckel-Gruber syndrome. Last evaluated: 2023-09-19. Review status: criteria provided, single submitter. Criteria: Invitae Variant Classification Sherloc (09022015). Collection method: clinical testing. Allele origin: germline.
Comment: In summary, the currently available evidence indicates that the variant is pathogenic, but additional data are needed to prove that conclusively. Therefore, this variant has been classified as Likely Pathogenic. Algorithms developed to predict the effect of sequence changes on RNA splicing suggest that this variant may disrupt the consensus splice site. This variant has not been reported in the literature in individuals affected with RPGRIP1L-related conditions. The frequency data for this variant in the population databases is considered unreliable, as metrics indicate poor data quality at this position in the gnomAD database. This sequence change affects a donor splice site in intron 13 of the RPGRIP1L gene. It is expected to disrupt RNA splicing. Variants that disrupt the donor or acceptor splice site typically lead to a loss of protein function (PMID: 16199547), and loss-of-function variants in RPGRIP1L are known to be pathogenic (PMID: 17558409).

Literature cited by the submitters: PubMed 16199547; PubMed 17558409.

NM_015272.5(RPGRIP1L):c.1581+2T>C

Gene: RPGRIP1L (RPGRIP1 like; minus strand). Cytogenetic location: 16q12.2.
Variant type: single nucleotide variant.
Coding change: c.1581+2T>C on transcript NM_015272.5 (MANE Select); the canonical splice donor site of the intron after coding-DNA position 1581, T replaced by C.
Molecular consequence: splice donor variant.
Genome position (GRCh38, 1-based): chr16:53,657,451, A>G on the plus strand (T>C on the coding strand, the complement: RPGRIP1L is on the minus strand). VCF-style: chr16-53657451-A-G. GRCh37 (hg19) VCF-style: chr16-53691363-A-G.
Other names: c.1581+2T>C (NM_001127897.4, NM_001330538.2, NM_001308334.3).
Identifiers: ClinVar variation 2926079 (VCV002926079.3), dbSNP rs1567847278, ClinGen allele CA395918617.
Genomic context (GRCh38, chr16:53,657,451, plus strand): 5'-AGAAAATAAATCATCAGAATATTATAGAAAACTTACTTTCCCCATTTAGTGTATTACATT[A>G]CCTGATAATCTTTATTAATTTTGTGTTGCATAATTAGCATGTTTCTTGTCTTTTCCAGCT-3'